The following is an entry in ClinVar:

ClinVar aggregate classification (germline): Uncertain significance (1 of 4 stars; one submission).

Submission:

GeneDx
Classification: Uncertain significance. Last evaluated: 2023-03-30. Review status: criteria provided, single submitter. Criteria: GeneDx Variant Classification Process June 2021. Collection method: clinical testing. Allele origin: germline. Affected: yes.
Comment: Not observed at significant frequency in large population cohorts (gnomAD); In silico analysis supports that this missense variant has a deleterious effect on protein structure/function; Has not been previously published as pathogenic or benign to our knowledge

NM_138694.4(PKHD1):c.9290C>A (p.Ala3097Glu)

Gene: PKHD1 (PKHD1 ciliary IPT domain containing fibrocystin/polyductin; minus strand). Cytogenetic location: 6p12.3.
Variant type: single nucleotide variant.
Coding change: c.9290C>A on transcript NM_138694.4 (MANE Select); coding-DNA position 9290, C replaced by A.
Protein change: p.Ala3097Glu; replaces alanine 3097 with glutamic acid.
Molecular consequence: missense variant.
Genome position (GRCh38, 1-based): chr6:51,748,326, G>T on the plus strand (C>A on the coding strand, the complement: PKHD1 is on the minus strand). VCF-style: chr6-51748326-G-T. GRCh37 (hg19) VCF-style: chr6-51613124-G-T.
Other names: c.9290C>A, p.Ala3097Glu (NM_170724.3); short protein forms A3097E.
Identifiers: ClinVar variation 2581848 (VCV002581848.1), dbSNP rs1785514269, ClinGen allele CA364422378.